The following is an entry in ClinVar:

ClinVar aggregate classification (germline): Pathogenic (1 of 4 stars; one submission).
ClinVar aggregate classification (oncogenicity): Likely oncogenic (1 of 4 stars; one submission).

Conditions:
Familial adenomatous polyposis 1 (FAP1). Also called: POLYPOSIS, ADENOMATOUS INTESTINAL; FAMILIAL ADENOMATOUS POLYPOSIS 1, ATTENUATED. Identifiers: MedGen C2713442, MONDO:0021056, OMIM 175100. Disease mechanism: loss of function.
Neoplasm. Also called: tumor; Neoplasms; Neoplasm (disease). Identifiers: MedGen C0027651, MeSH D009369, MONDO:0005070, HP:0002664.

Submissions (2):

Center for Genomic Medicine, Rigshospitalet, Copenhagen University Hospital
Classification: Likely oncogenic for Neoplasm. Last evaluated: 2025-03-04. Review status: criteria provided, single submitter. Criteria: ClinGen/CGC/VICC Guidelines for Oncogenicity, 2022. Collection method: clinical testing. Allele origin: somatic. Affected: yes.

Myriad Genetics, Inc.
Classification: Pathogenic for Familial adenomatous polyposis 1. Last evaluated: 2023-05-11. Review status: criteria provided, single submitter. Criteria: Myriad Autosomal Dominant, Autosomal Recessive and X-Linked Classification Criteria (2023). Collection method: clinical testing. Allele origin: unknown.
Comment: This variant is considered pathogenic. This variant creates a frameshift predicted to result in premature protein truncation.

Literature cited by the submitters: PubMed 34352208 (cited by Center for Genomic Medicine, Rigshospitalet, Copenhagen University Hospital).

NM_000038.6(APC):c.4476del (p.Thr1493fs)

Gene: APC (APC regulator of Wnt signaling pathway; plus strand). Cytogenetic location: 5q22.2.
Variant type: Deletion.
Coding change: c.4476del on transcript NM_000038.6 (MANE Select); coding-DNA position 4476, one base deleted (C; older notation c.4476delC).
Protein change: p.Thr1493fs; shifts the reading frame from threonine 1493.
Molecular consequence: frameshift variant. On other transcripts: non-coding transcript variant (2).
Genome position (GRCh38, 1-based): chr5:112,840,070, C deleted; the last of 2 consecutive C bases (chr5:112,840,069-112,840,070); deleting either gives the same sequence. VCF-style (leftmost placement, unchanged base first): chr5-112840068-GC-G. GRCh37 (hg19) VCF-style: chr5-112175765-GC-G.
Other names: c.4476del, p.Thr1493fs (NM_001127510.3, NM_001354895.2, NM_001407450.1); c.4422del, p.Thr1475fs (NM_001127511.3); c.4530del, p.Thr1511fs (NM_001354896.2, NM_001407447.1, NM_001407448.1 and 1 more transcripts); c.4506del, p.Thr1503fs (NM_001354897.2); c.4401del, p.Thr1468fs (NM_001354898.2); c.4392del, p.Thr1465fs (NM_001354899.2); c.4353del, p.Thr1452fs (NM_001354900.2); c.4299del, p.Thr1434fs (NM_001354901.2, NM_001407453.1); and 12 more; short protein forms T1511fs, T1521fs, T1109fs, T1210fs, T1333fs, T1364fs, T1367fs, T1392fs.
Identifiers: ClinVar variation 2583709 (VCV002583709.3), dbSNP rs2533577691, ClinGen allele CA446206519.